The following is an entry in ClinVar:

NM_000815.5(GABRD):c.1241G>A (p.Gly414Asp)

Gene: GABRD (gamma-aminobutyric acid type A receptor subunit delta; plus strand). Cytogenetic location: 1p36.33.
Variant type: single nucleotide variant.
Coding change: c.1241G>A on transcript NM_000815.5 (MANE Select); coding-DNA position 1241, G replaced by A.
Protein change: p.Gly414Asp; replaces glycine 414 with aspartic acid.
Molecular consequence: missense variant.
Genome position (GRCh38, 1-based): chr1:2,030,164, G>A. VCF-style: chr1-2030164-G-A. GRCh37 (hg19) VCF-style: chr1-1961603-G-A.
Other names: short protein forms G414D.
Identifiers: ClinVar variation 2052619 (VCV002052619.4), dbSNP rs757995846, ClinGen allele CA534956.

ClinVar aggregate classification (germline): Uncertain significance (1 of 4 stars; one submission).

Conditions:
Idiopathic generalized epilepsy. Also called: EIG; Generalised epilepsy. Identifiers: MedGen C0270850, MONDO:0005579, OMIM 600669.

Allele frequency attached by ClinVar (database versions not stated): ExAC 0.00002.

Submission:

Labcorp Genetics (formerly Invitae), Labcorp
Classification: Uncertain significance for Idiopathic generalized epilepsy. Last evaluated: 2022-09-07. Review status: criteria provided, single submitter. Criteria: Invitae Variant Classification Sherloc (09022015). Collection method: clinical testing. Allele origin: germline.
Comment: This sequence change replaces glycine, which is neutral and non-polar, with aspartic acid, which is acidic and polar, at codon 414 of the GABRD protein (p.Gly414Asp). This variant is present in population databases (rs757995846, gnomAD 0.003%). This variant has not been reported in the literature in individuals affected with GABRD-related conditions. Algorithms developed to predict the effect of missense changes on protein structure and function are either unavailable or do not agree on the potential impact of this missense change (SIFT: "Deleterious"; PolyPhen-2: "Possibly Damaging"; Align-GVGD: "Class C0"). In summary, the available evidence is currently insufficient to determine the role of this variant in disease. Therefore, it has been classified as a Variant of Uncertain Significance.